The following is an entry in ClinVar:

NM_001286.5(CLCN6):c.1824C>A (p.Asn608Lys)

Gene: CLCN6 (chloride voltage-gated channel 6; plus strand). Cytogenetic location: 1p36.22.
Variant type: single nucleotide variant.
Coding change: c.1824C>A on transcript NM_001286.5 (MANE Select); coding-DNA position 1824, C replaced by A.
Protein change: p.Asn608Lys; replaces asparagine 608 with lysine.
Molecular consequence: missense variant. On other transcripts: non-coding transcript variant (1).
Genome position (GRCh38, 1-based): chr1:11,835,997, C>A. VCF-style: chr1-11835997-C-A. GRCh37 (hg19) VCF-style: chr1-11896054-C-A.
Other names: c.1758C>A, p.Asn586Lys (NM_001256959.2); short protein forms N586K, N608K.
Identifiers: ClinVar variation 2811660 (VCV002811660.3), dbSNP rs763040976, ClinGen allele CA338437753.
Genomic context (GRCh38, chr1:11,835,997, plus strand): 5'-GAGGCTGGATGACTTGCCCTCCTCCCCCAGGCTGAGAGCCAGCGACATCATGGAGCCCAA[C>A]CTGACCTACGTCTACCCGCACACCCGCATCCAGTCTCTGGTGAGCATCCTGCGCACCACG-3'
Protein context (NP_001277.2, residues 598-618): KLRASDIMEP[Asn608Lys]LTYVYPHTRI

ClinVar aggregate classification (germline): Uncertain significance (1 of 4 stars; one submission).

Submission:

Labcorp Genetics (formerly Invitae), Labcorp
Classification: Uncertain significance. Last evaluated: 2022-11-03. Review status: criteria provided, single submitter. Criteria: Invitae Variant Classification Sherloc (09022015). Collection method: clinical testing. Allele origin: germline.
Comment: In summary, the available evidence is currently insufficient to determine the role of this variant in disease. Therefore, it has been classified as a Variant of Uncertain Significance. This sequence change replaces asparagine, which is neutral and polar, with lysine, which is basic and polar, at codon 608 of the CLCN6 protein (p.Asn608Lys). This variant is not present in population databases (gnomAD no frequency). This variant has not been reported in the literature in individuals affected with CLCN6-related conditions. Algorithms developed to predict the effect of missense changes on protein structure and function (SIFT, PolyPhen-2, Align-GVGD) all suggest that this variant is likely to be tolerated.